The following is an entry in ClinVar:

NM_001267550.2(TTN):c.75925A>G (p.Lys25309Glu)

Genes: TTN (titin; minus strand), TTN-AS1 (TTN antisense RNA 1; plus strand). Cytogenetic location: 2q31.2.
Variant type: single nucleotide variant.
Coding change: c.75925A>G on transcript NM_001267550.2 (MANE Select); coding-DNA position 75925, A replaced by G.
Protein change: p.Lys25309Glu; replaces lysine 25309 with glutamic acid.
Molecular consequence: missense variant.
Genome position (GRCh38, 1-based): chr2:178,570,207, T>C on the plus strand (A>G on the coding strand, the complement: TTN is on the minus strand). VCF-style: chr2-178570207-T-C. GRCh37 (hg19) VCF-style: chr2-179434934-T-C.
Other names: c.71002A>G, p.Lys23668Glu (NM_001256850.1); c.48730A>G, p.Lys16244Glu (NM_003319.4); c.68221A>G, p.Lys22741Glu (NM_133378.4); c.49105A>G, p.Lys16369Glu (NM_133432.3); c.49306A>G, p.Lys16436Glu (NM_133437.4); short protein forms K16244E, K16369E, K16436E, K22741E, K23668E, K25309E.
Identifiers: ClinVar variation 3772521 (VCV003772521.13).

ClinVar aggregate classification (germline): Uncertain significance (1 of 4 stars; one submission).

Submission:

CeGaT Center for Human Genetics Tuebingen
Classification: Uncertain significance. Last evaluated: 2025-02-01. Review status: criteria provided, single submitter. Criteria: CeGaT Center For Human Genetics Tuebingen Variant Classification Criteria Version 2. Collection method: clinical testing. Allele origin: germline. Affected: yes. Observed: 1 variant allele.
Comment: TTN: PM2, BP4